The following is an entry in ClinVar:

NM_024675.4(PALB2):c.1837C>G (p.Gln613Glu)

Gene: PALB2 (partner and localizer of BRCA2; minus strand). Cytogenetic location: 16p12.2.
Variant type: single nucleotide variant.
Coding change: c.1837C>G on transcript NM_024675.4 (MANE Select); coding-DNA position 1837, C replaced by G.
Protein change: p.Gln613Glu; replaces glutamine 613 with glutamic acid.
Molecular consequence: missense variant.
Genome position (GRCh38, 1-based): chr16:23,630,317, G>C on the plus strand (C>G on the coding strand, the complement: PALB2 is on the minus strand). VCF-style: chr16-23630317-G-C. GRCh37 (hg19) VCF-style: chr16-23641638-G-C.
Other names: short protein forms Q613E.
Identifiers: ClinVar variation 851993 (VCV000851993.14), dbSNP rs1966865214, ClinGen allele CA395127874.

ClinVar aggregate classification (germline): Uncertain significance. Review status: criteria provided, multiple submitters, no conflicts (2 of 4 stars). 3 submissions from 3 submitters: Uncertain significance (2). 1 of the submissions does not count toward it. Last evaluated 2023-06-16.

Conditions:
Hereditary cancer-predisposing syndrome. Also called: Neoplastic Syndromes, Hereditary; Hereditary Cancer Syndrome; Tumor predisposition; Hereditary neoplastic syndrome. Identifiers: Orphanet 140162, MedGen C0027672, MeSH D009386, MONDO:0015356.
Familial cancer of breast. Also called: Hereditary breast cancer; hereditary breast carcinoma; BREAST CANCER, FAMILIAL. Identifiers: Orphanet 227535, MedGen C0346153, MONDO:0016419, OMIM 114480. Disease mechanism: loss of function.
Malignant tumor of breast. Also called: Malignant breast neoplasm; Cancer breast. Identifiers: MedGen C0006142, MONDO:0007254. Disease mechanism: loss of function.

Submissions (3):

Labcorp Genetics (formerly Invitae), Labcorp
Classification: Uncertain significance for Familial cancer of breast. Last evaluated: 2023-06-16. Review status: criteria provided, single submitter. Criteria: Invitae Variant Classification Sherloc (09022015). Collection method: clinical testing. Allele origin: germline.
Comment: In summary, the available evidence is currently insufficient to determine the role of this variant in disease. Therefore, it has been classified as a Variant of Uncertain Significance. Advanced modeling of protein sequence and biophysical properties (such as structural, functional, and spatial information, amino acid conservation, physicochemical variation, residue mobility, and thermodynamic stability) performed at Invitae indicates that this missense variant is not expected to disrupt PALB2 protein function. ClinVar contains an entry for this variant (Variation ID: 851993). This variant has not been reported in the literature in individuals affected with PALB2-related conditions. This variant is not present in population databases (gnomAD no frequency). This sequence change replaces glutamine, which is neutral and polar, with glutamic acid, which is acidic and polar, at codon 613 of the PALB2 protein (p.Gln613Glu).

Ambry Genetics
Classification: Uncertain significance for Hereditary cancer-predisposing syndrome. Last evaluated: 2019-10-18. Review status: criteria provided, single submitter. Criteria: Ambry Variant Classification Scheme 2023. Collection method: clinical testing. Allele origin: germline.
Comment: The p.Q613E variant (also known as c.1837C>G), located in coding exon 5 of the PALB2 gene, results from a C to G substitution at nucleotide position 1837. The glutamine at codon 613 is replaced by glutamic acid, an amino acid with highly similar properties. This amino acid position is not well conserved in available vertebrate species, and glutamic acid is the reference amino acid in other vertebrate species. In addition, this alteration is predicted to be tolerated by in silico analysis. Since supporting evidence is limited at this time, the clinical significance of this alteration remains unclear.

Department of Pathology and Laboratory Medicine, Sinai Health System
Classification: Uncertain significance for Malignant tumor of breast. Review status: no assertion criteria provided. Collection method: clinical testing. Allele origin: unknown. Affected: yes. Study: The Canadian Open Genetics Repository (COGR). Not counted in ClinVar's aggregate classification.
Comment: The PALB2 p.Gln613Glu variant was not identified in the literature nor was it identified in the dbSNP, ClinVar, LOVD 3.0, the Exome Aggregation Consortium (August 8th 2016), or the Genome Aggregation Database (Feb 27, 2017). The p.Gln613 residue is not conserved in mammals and computational analyses (PolyPhen-2, SIFT, AlignGVGD, BLOSUM, MutationTaster) do not suggest a high likelihood of impact to the protein; however, this information is not predictive enough to rule out pathogenicity. The variant occurs outside of the splicing consensus sequence and 1 of 4 in silico or computational prediction software programs (SpliceSiteFinder, MaxEntScan, NNSPLICE, GeneSplicer) predict a greater than 10% difference in splicing; this is not very predictive of pathogenicity. In summary, based on the above information the clinical significance of this variant cannot be determined with certainty at this time. This variant is classified as a variant of uncertain significance.